The following is an entry in ClinVar:

NM_001163435.3(TBCK):c.111A>C (p.Lys37Asn)

Gene: TBCK (TBC1 domain containing kinase; minus strand). Cytogenetic location: 4q24.
Variant type: single nucleotide variant.
Coding change: c.111A>C on transcript NM_001163435.3 (MANE Select); coding-DNA position 111, A replaced by C.
Protein change: p.Lys37Asn; replaces lysine 37 with asparagine.
Molecular consequence: missense variant. On other transcripts: 5 prime UTR variant (1).
Genome position (GRCh38, 1-based): chr4:106,308,850, T>G on the plus strand (A>C on the coding strand, the complement: TBCK is on the minus strand). VCF-style: chr4-106308850-T-G. GRCh37 (hg19) VCF-style: chr4-107230007-T-G.
Other names: c.111A>C, p.Lys37Asn (NM_001163436.4, NM_001163437.3, NM_033115.5); c.-507A>C (NM_001290768.2); short protein forms K37N.
Identifiers: ClinVar variation 1350278 (VCV001350278.8), dbSNP rs543097738, ClinGen allele CA3035541.

ClinVar aggregate classification (germline): Uncertain significance (1 of 4 stars; one submission).

Allele frequency attached by ClinVar (database versions not stated): gnomAD exomes below 0.00001; ExAC 0.00001; gnomAD 0.00001; 1000 Genomes Project 30x 0.00016; 1000 Genomes Project 0.00020.
gnomAD v4.1: 2 of 1,614,188 alleles (0.00012%); highest among the groups gnomAD compares: East Asian, 0.0022%; no homozygotes.

Submission:

Labcorp Genetics (formerly Invitae), Labcorp
Classification: Uncertain significance. Last evaluated: 2022-03-19. Review status: criteria provided, single submitter. Criteria: Invitae Variant Classification Sherloc (09022015). Collection method: clinical testing. Allele origin: germline.
Comment: This variant is present in population databases (rs543097738, gnomAD 0.006%). In summary, the available evidence is currently insufficient to determine the role of this variant in disease. Therefore, it has been classified as a Variant of Uncertain Significance. Algorithms developed to predict the effect of missense changes on protein structure and function are either unavailable or do not agree on the potential impact of this missense change (SIFT: "Tolerated"; PolyPhen-2: "Possibly Damaging"; Align-GVGD: "Class C0"). This variant has not been reported in the literature in individuals affected with TBCK-related conditions. This sequence change replaces lysine, which is basic and polar, with asparagine, which is neutral and polar, at codon 37 of the TBCK protein (p.Lys37Asn).